The following is an entry in ClinVar:

ClinVar aggregate classification (germline): Likely benign. Review status: criteria provided, multiple submitters, no conflicts (2 of 4 stars). 3 submissions from 3 submitters: Likely benign (2). 1 of the submissions does not count toward it. Last evaluated 2026-06-01.

Conditions:
CREBBP-related disorder. Also called: CREBBP-related disorders; CREBBP-related condition.
Rubinstein-Taybi syndrome (RSTS). Identifiers: Orphanet 783, MedGen C0035934, MONDO:0019188.

Allele frequency attached by ClinVar (database versions not stated): gnomAD 0.00002; gnomAD exomes 0.00002; TOPMed 0.00002; ExAC 0.00003.

Submissions (3):

CeGaT Center for Human Genetics Tuebingen
Classification: Likely benign. Last evaluated: 2026-06-01. Review status: criteria provided, single submitter. Criteria: CeGaT Center For Human Genetics Tuebingen Variant Classification Criteria Version 2. Collection method: clinical testing. Allele origin: germline. Affected: yes. Observed: 2 variant alleles.
Comment: CREBBP: BP4, BP7

Labcorp Genetics (formerly Invitae), Labcorp
Classification: Likely benign for Rubinstein-Taybi syndrome. Last evaluated: 2023-11-17. Review status: criteria provided, single submitter. Criteria: Invitae Variant Classification Sherloc (09022015). Collection method: clinical testing. Allele origin: germline.

PreventionGenetics, part of Exact Sciences
Classification: Likely benign for CREBBP-related condition. Last evaluated: 2021-10-07. Review status: no assertion criteria provided. Collection method: clinical testing. Allele origin: germline. Not counted in ClinVar's aggregate classification.
Comment: This variant is classified as likely benign based on ACMG/AMP sequence variant interpretation guidelines (Richards et al. 2015 PMID: 25741868, with internal and published modifications).

NM_004380.3(CREBBP):c.1566C>T (p.Asn522=)

Gene: CREBBP (CREB binding lysine acetyltransferase; minus strand). Cytogenetic location: 16p13.3.
Variant type: single nucleotide variant.
Coding change: c.1566C>T on transcript NM_004380.3 (MANE Select); coding-DNA position 1566, C replaced by T.
Protein change: p.Asn522=; no amino-acid change (asparagine 522 retained).
Molecular consequence: synonymous variant.
Genome position (GRCh38, 1-based): chr16:3,782,691, G>A on the plus strand (C>T on the coding strand, the complement: CREBBP is on the minus strand). VCF-style: chr16-3782691-G-A. GRCh37 (hg19) VCF-style: chr16-3832692-G-A.
Other names: c.1452C>T, p.Asn484= (NM_001079846.1); c.1566C>T (NM_004380.2).
Identifiers: ClinVar variation 2646141 (VCV002646141.28), dbSNP rs749759803, ClinGen allele CA7870432.